The following is an entry in ClinVar:

ClinVar aggregate classification (germline): Conflicting classifications of pathogenicity. Review status: criteria provided, conflicting classifications (1 of 4 stars). 6 submissions from 6 submitters: Uncertain significance (1); Likely benign (5). Last evaluated 2026-01-28.

Conditions:
Ehlers-Danlos syndrome (EDS). Identifiers: Orphanet 98249, MedGen C0013720, MONDO:0020066.

Allele frequency attached by ClinVar (database versions not stated): gnomAD 0.00019; TOPMed 0.00057; 1000 Genomes Project 0.00060; ESP Exome Variant Server 0.00066; gnomAD exomes 0.00068; ExAC 0.00069; 1000 Genomes Project 30x 0.00078.
gnomAD v4.1: 837 of 1,612,744 alleles (0.052%); highest among the groups gnomAD compares: Middle Eastern, 0.18%; 3 homozygotes.

Submissions (6):

Labcorp Genetics (formerly Invitae), Labcorp
Classification: Likely benign. Last evaluated: 2026-01-28. Review status: criteria provided, single submitter. Criteria: Invitae Variant Classification Sherloc (09022015). Collection method: clinical testing. Allele origin: germline.

Mayo Clinic Laboratories, Mayo Clinic
Classification: Likely benign. Last evaluated: 2025-10-06. Review status: criteria provided, single submitter. Criteria: ACMG Guidelines, 2015. Collection method: clinical testing. Allele origin: germline. Observed: 2 variant alleles.
Comment: BS1, BP4, BP7

Women's Health and Genetics/Laboratory Corporation of America, LabCorp
Classification: Likely benign. Last evaluated: 2025-08-06. Review status: criteria provided, single submitter. Criteria: LabCorp Variant Classification Summary - May 2015. Collection method: clinical testing. Allele origin: germline.

Blueprint Genetics
Classification: Likely benign. Last evaluated: 2024-11-19. Review status: criteria provided, single submitter. Criteria: ACMG Guidelines, 2015. Collection method: clinical testing. Allele origin: germline.

CeGaT Center for Human Genetics Tuebingen
Classification: Likely benign. Last evaluated: 2024-03-01. Review status: criteria provided, single submitter. Criteria: CeGaT Center For Human Genetics Tuebingen Variant Classification Criteria Version 2. Collection method: clinical testing. Allele origin: germline. Affected: yes. Observed: 4 variant alleles.
Comment: TNXB: BP4

Genome Diagnostics Laboratory, The Hospital for Sick Children
Classification: Uncertain significance for Ehlers-Danlos syndrome. Last evaluated: 2021-01-08. Review status: criteria provided, single submitter. Criteria: ACMG Guidelines, 2015. Collection method: clinical testing. Allele origin: germline.

NM_001365276.2(TNXB):c.9439+8A>G

Gene: TNXB (tenascin XB; minus strand). Cytogenetic location: 6p21.33.
Variant type: single nucleotide variant.
Coding change: c.9439+8A>G on transcript NM_001365276.2 (MANE Select); 8 bases into the intron after coding-DNA position 9439, A replaced by G.
Molecular consequence: intron variant.
Genome position (GRCh38, 1-based): chr6:32,049,990, T>C on the plus strand (A>G on the coding strand, the complement: TNXB is on the minus strand). VCF-style: chr6-32049990-T-C. GRCh37 (hg19) VCF-style: chr6-32017767-T-C.
Other names: p.?; c.9433+8A>G (NM_019105.8).
Identifiers: ClinVar variation 809898 (VCV000809898.50), dbSNP rs200282568, ClinGen allele CA3733539.